The following is an entry in ClinVar:

ClinVar aggregate classification (germline): Likely benign. Review status: criteria provided, single submitter (1 of 4 stars). 2 submissions from 2 submitters: Likely benign (1). 1 of the submissions does not count toward it. Last evaluated 2018-04-06.

Conditions:
TTR-related disorder. Also called: TTR-related condition; TTR-related disorders.

Allele frequency attached by ClinVar (database versions not stated): TOPMed below 0.00001.

Submissions (2):

Laboratory for Molecular Medicine, Mass General Brigham Personalized Medicine
Classification: Likely benign. Last evaluated: 2018-04-06. Review status: criteria provided, single submitter. Criteria: LMM Criteria. Collection method: clinical testing. Allele origin: germline. Observed: 1 variant allele.
Comment: This variant is classified as likely benign because it does not alter an amino a cid residue, it is not located within the splice consensus sequence, and splice prediction algorithms do not predict a newly created splice site. It is absent f rom control databases. ACMG/AMP Criteria applied: BP4; BP7.

PreventionGenetics, part of Exact Sciences
Classification: Likely benign for TTR-related condition. Last evaluated: 2019-03-12. Review status: no assertion criteria provided. Collection method: clinical testing. Allele origin: germline. Not counted in ClinVar's aggregate classification.
Comment: This variant is classified as likely benign based on ACMG/AMP sequence variant interpretation guidelines (Richards et al. 2015 PMID: 25741868, with internal and published modifications).

NM_000371.4(TTR):c.369C>G (p.Arg123=)

Gene: TTR (transthyretin; plus strand). Cytogenetic location: 18q12.1.
Variant type: single nucleotide variant.
Coding change: c.369C>G on transcript NM_000371.4 (MANE Select); coding-DNA position 369, C replaced by G.
Protein change: p.Arg123=; no amino-acid change (arginine 123 retained).
Molecular consequence: synonymous variant.
Genome position (GRCh38, 1-based): chr18:31,598,600, C>G. VCF-style: chr18-31598600-C-G. GRCh37 (hg19) VCF-style: chr18-29178563-C-G.
Identifiers: ClinVar variation 667177 (VCV000667177.5), dbSNP rs1598846734, ClinGen allele CA503610866.